The following is an entry in ClinVar:

ClinVar aggregate classification (germline): Pathogenic. Review status: criteria provided, multiple submitters, no conflicts (2 of 4 stars). 6 submissions from 6 submitters: Pathogenic (4). 2 of the submissions do not count toward it. Last evaluated 2022-07-27.

Conditions:
Kabuki syndrome. Also called: Kabuki make-up syndrome; NIIKAWA-KUROKI SYNDROME. Identifiers: Orphanet 2322, MedGen C0796004, MONDO:0016512.
KMT2D-related disorder. Also called: KMT2D-Related Disorders.
Kabuki syndrome 1 (KABUK1). Also called: KMT2D-Related Kabuki Syndrome. Identifiers: Orphanet 2322, MedGen CN030661, MONDO:0007843, OMIM 147920.

Submissions (6):

GeneDx
Classification: Pathogenic. Last evaluated: 2022-07-27. Review status: criteria provided, single submitter. Criteria: GeneDx Variant Classification Process June 2021. Collection method: clinical testing. Allele origin: germline. Affected: yes.
Comment: Nonsense variant predicted to result in protein truncation or nonsense mediated decay in a gene for which loss of function is a known mechanism of disease; Not observed at significant frequency in large population cohorts (gnomAD); This variant is associated with the following publications: (PMID: 25525159, 33922652, 35506254, 31702703, 28415711, 20711175, 27302555, 32803813)

Blueprint Genetics
Classification: Pathogenic for KMT2D-related disorders. Last evaluated: 2020-11-23. Review status: criteria provided, single submitter. Criteria: ACMG Guidelines, 2015. Collection method: clinical testing. Allele origin: de novo. Affected: yes. Observed: 1 variant allele.

Labcorp Genetics (formerly Invitae), Labcorp
Classification: Pathogenic for Kabuki syndrome. Last evaluated: 2019-11-27. Review status: criteria provided, single submitter. Criteria: Invitae Variant Classification Sherloc (09022015). Collection method: clinical testing. Allele origin: germline.
Comment: For these reasons, this variant has been classified as Pathogenic. Loss-of-function variants in KMT2D are known to be pathogenic (PMID: 22126750). This variant has been observed in individual(s) with Kabuki syndrome (PMID: 20711175). ClinVar contains an entry for this variant (Variation ID: 167222). This variant is not present in population databases (ExAC no frequency). This sequence change creates a premature translational stop signal (p.Arg2830*) in the KMT2D gene. It is expected to result in an absent or disrupted protein product.

Eurofins Ntd Llc (ga)
Classification: Pathogenic. Last evaluated: 2013-12-11. Review status: criteria provided, single submitter. Criteria: EGL Classification Definitions. Collection method: clinical testing. Allele origin: germline. Observed: 1 variant allele, 1 heterozygote.

Clinical Genomics Laboratory, Stanford Medicine
Classification: Pathogenic for Kabuki syndrome 1. Last evaluated: 2020-01-10. Review status: no assertion criteria provided. Collection method: clinical testing. Allele origin: germline. Inheritance: Autosomal dominant inheritance. Affected: yes. Not counted in ClinVar's aggregate classification.
Comment: This variant has been previously reported de novo in one individual and identified in at least two additional individuals with features consistent with Kabuki syndrome (Hannibal et al., 2011; Ng et al., 2010; Bogershausen et al., 2016). This variant was absent from large population databases, including the Genome Aggregation Database. The p.Arg2830* variant leads to a premature stop codon in exon 34 of 54 coding exons, and is therefore predicted to undergo nonsense-mediated decay resulting in a truncated or absent protein. Heterozygous loss of function is an established mechanism of disease for the KMT2D gene. These data were assessed using the ACMG/AMP variant interpretation guidelines. In summary, there is sufficient evidence to classify the p.Arg2830* variant as pathogenic for autosomal dominant Kabuki syndrome based on the information above. [ACMG evidence codes used: PVS1; PS2; PM2]

Autoinflammatory diseases unit, CHU de Montpellier
Classification: Pathogenic for Kabuki syndrome 1. Last evaluated: 2014-05-06. Review status: no assertion criteria provided. Collection method: clinical testing. Allele origin: unknown. Affected: yes. Not counted in ClinVar's aggregate classification.

Literature cited by the submitters: PubMed 22126750 (cited by Labcorp Genetics (formerly Invitae), Labcorp); PubMed 20711175 (cited by Labcorp Genetics (formerly Invitae), Labcorp).

NM_003482.4(KMT2D):c.8488C>T (p.Arg2830Ter)

Gene: KMT2D (lysine methyltransferase 2D; minus strand). Cytogenetic location: 12q13.12.
Variant type: single nucleotide variant.
Coding change: c.8488C>T on transcript NM_003482.4 (MANE Select); coding-DNA position 8488, C replaced by T.
Protein change: p.Arg2830Ter; replaces arginine 2830 with a stop codon.
Molecular consequence: nonsense.
Genome position (GRCh38, 1-based): chr12:49,038,868, G>A on the plus strand (C>T on the coding strand, the complement: KMT2D is on the minus strand). VCF-style: chr12-49038868-G-A. GRCh37 (hg19) VCF-style: chr12-49432651-G-A.
Other names: short protein forms R2830*.
Identifiers: ClinVar variation 167222 (VCV000167222.21), dbSNP rs727503983, ClinGen allele CA234172.